The following is an entry in ClinVar:

ClinVar aggregate classification (germline): Pathogenic/Likely pathogenic. Review status: criteria provided, multiple submitters, no conflicts (2 of 4 stars). 4 submissions from 4 submitters: Pathogenic (1); Likely pathogenic (1). 2 of the submissions do not count toward it. Last evaluated 2019-12-04.

Conditions:
Pyruvate dehydrogenase E1-alpha deficiency (PDHAD). Also called: ATAXIA, INTERMITTENT, WITH PYRUVATE DEHYDROGENASE DEFICIENCY; ATAXIA WITH LACTIC ACIDOSIS I; ATAXIA, INTERMITTENT, WITH ABNORMAL PYRUVATE METABOLISM; Ataxia, intermittent, with pyruvate dehydrogenase, or decarboxylase, deficiency. Identifiers: Orphanet 79243, MedGen C1839413, MONDO:0010717, OMIM 312170.

Submissions (4):

Centre for Mendelian Genomics, University Medical Centre Ljubljana
Classification: Likely pathogenic for Pyruvate dehydrogenase E1-alpha deficiency. Last evaluated: 2019-12-04. Review status: criteria provided, single submitter. Criteria: ACMG Guidelines, 2015. Collection method: clinical testing. Allele origin: unknown. Affected: yes.
Comment: This variant was classified as: Likely pathogenic. The following ACMG criteria were applied in classifying this variant: PS1,PM2,PP2,PP3. This variant was detected in hemizygous state.

Institute of Human Genetics Munich, TUM University Hospital
Classification: Pathogenic for Pyruvate dehydrogenase E1-alpha deficiency. Last evaluated: 2017-12-09. Review status: criteria provided, single submitter. Criteria: Classification criteria August 2017. Collection method: clinical testing. Allele origin: de novo. Inheritance: X-linked inheritance. Affected: yes. Observed: 1 heterozygote.

PDHA1 Study Group, University Children’s Hospital, Paracelsus Medical University
Classification: Pathogenic for Pyruvate dehydrogenase E1-alpha deficiency. Last evaluated: 2024-10-15. Review status: no assertion criteria provided. Collection method: research. Allele origin: de novo. Affected: yes. Observed: 7 variant alleles. Not counted in ClinVar's aggregate classification.
Comment: The NM_000284.3:c.615C>G (p.Phe205Leu) substitution is a missense variant in PDHA1 gene. In total, 7 individuals are diagnosed with PDHA1-related Pyruvate dehydrogenase complex (PDHc) deficiency (MIM #312170). These include 6 males and 1 female. Among them, 4 cases have confirmed de novo occurrence. The variant has been reported in 4 published cases (PMIDs: 12379317, 21914562, 33092611). Additional 3 unpublished cases from internal data are included. Last literature search: July 12, 2024. This variant is absent or extremely rare in population-based cohorts in the Genome Aggregation Database (gnomAD). Individuals harboring this variant present with clinical features compatible with PDHA1-related PDHc deficiency. In summary, this variant meets criteria to be classified as pathogenic (P) for PDHA1-related PDHc deficiency based on the ACMG/AMP criteria applied: PS3, PM1, PM2, PM7, PP3 (last assessment October 15, 2024).

OMIM
Classification: Pathogenic for PYRUVATE DEHYDROGENASE E1-ALPHA DEFICIENCY. Last evaluated: 2002-10-09. Review status: no assertion criteria provided. Collection method: literature only. Allele origin: germline. Not counted in ClinVar's aggregate classification.

Literature cited by the submitters: PubMed 12379317 (cited by PDHA1 Study Group, University Children’s Hospital, Paracelsus Medical University and OMIM); PubMed 21914562 (cited by PDHA1 Study Group, University Children’s Hospital, Paracelsus Medical University); PubMed 33092611 (cited by PDHA1 Study Group, University Children’s Hospital, Paracelsus Medical University); DOI 10.1093/brain/awaf430 (cited by PDHA1 Study Group, University Children’s Hospital, Paracelsus Medical University); PubMed 8199595 (cited by OMIM).

NM_000284.4(PDHA1):c.615C>G (p.Phe205Leu)

Gene: PDHA1 (pyruvate dehydrogenase E1 subunit alpha 1; plus strand). Cytogenetic location: Xp22.12.
Variant type: single nucleotide variant.
Coding change: c.615C>G on transcript NM_000284.4 (MANE Select); coding-DNA position 615, C replaced by G.
Protein change: p.Phe205Leu; replaces phenylalanine 205 with leucine.
Molecular consequence: missense variant.
Genome position (GRCh38, 1-based): chrX:19,355,360, C>G. VCF-style: chrX-19355360-C-G. GRCh37 (hg19) VCF-style: chrX-19373478-C-G.
Other names: c.729C>G, p.Phe243Leu (NM_001173454.2); c.636C>G, p.Phe212Leu (NM_001173455.2); c.522C>G, p.Phe174Leu (NM_001173456.2); c.615C>G (NM_000284.3); short protein forms F205L, F174L, F212L, F243L.
Identifiers: ClinVar variation 10882 (VCV000010882.9), dbSNP rs137853254, ClinGen allele CA121217.